The following is an entry in ClinVar:

ClinVar aggregate classification (germline): Benign/Likely benign. Review status: criteria provided, multiple submitters, no conflicts (2 of 4 stars). 12 submissions from 8 submitters: Benign (5); Likely benign (5). 2 of the submissions do not count toward it. Last evaluated 2026-02-04.

Conditions:
Familial hyperparathyroidism or Hypocalciuric hypercalcaemia.
Multiple endocrine neoplasia. Identifiers: Orphanet 276161, MedGen C0027662, MONDO:0017169.
Hereditary cancer-predisposing syndrome. Also called: Tumor predisposition; Hereditary neoplastic syndrome; Hereditary Cancer Syndrome; Neoplastic Syndromes, Hereditary. Identifiers: Orphanet 140162, MedGen C0027672, MeSH D009386, MONDO:0015356.
Multiple endocrine neoplasia, type 2 (MEN2). Identifiers: Orphanet 653, MedGen C4048306, MONDO:0019003. Disease mechanism: gain of function.
Multiple endocrine neoplasia type 2B. Also called: MEN IIB; NEUROMATA, MUCOSAL, WITH ENDOCRINE TUMORS; WAGENMANN-FROBOESE SYNDROME; MULTIPLE ENDOCRINE NEOPLASIA, TYPE III; MULTIPLE ENDOCRINE NEOPLASIA, TYPE IIB; MEN 2B. Identifiers: Orphanet 247709, Orphanet 653, MedGen C0025269, MeSH D018814, MONDO:0008082, OMIM 162300.
Hirschsprung disease, susceptibility to, 1 (HSCR1). Also called: RET-Related Hirschsprung Disease. Identifiers: Orphanet 388, MedGen C3888239, MONDO:0007723, OMIM 142623.
Multiple endocrine neoplasia type 2A. Also called: Multiple Endocrine Neoplasia Type 2A (MEN2A); MULTIPLE ENDOCRINE NEOPLASIA, TYPE IIA; PTC SYNDROME; SIPPLE SYNDROME; MEN 2A; MEN-2A syndrome. Identifiers: Orphanet 247698, Orphanet 653, MedGen C0025268, MeSH D018813, MONDO:0008234, OMIM 171400.
Renal hypodysplasia/aplasia 1 (RHDA1). Also called: RENAL APLASIA; HEREDITARY RENAL APLASIA. Identifiers: Orphanet 411709, MedGen C1619700, MONDO:0024519, OMIM 191830.
Pheochromocytoma. Also called: MAX-Related Hereditary Paraganglioma-Pheochromocytoma Syndrome. Identifiers: Orphanet 29072, MedGen C0031511, MONDO:0008233, OMIM 171300, HP:0002666.

Allele frequency attached by ClinVar (database versions not stated): gnomAD 0.00016 and 0.00005; gnomAD exomes 0.00041 and 0.00023; 1000 Genomes Project 30x 0.00078; TOPMed 0.00005; 1000 Genomes Project 0.00040; ExAC 0.00051.
gnomAD v4.1: 360 of 1,614,090 alleles (0.022%); highest among the groups gnomAD compares: South Asian, 0.36%; 4 homozygotes.

Submissions (12):

Labcorp Genetics (formerly Invitae), Labcorp
Classification: Benign for Multiple endocrine neoplasia, type 2. Last evaluated: 2026-02-04. Review status: criteria provided, single submitter. Criteria: Invitae Variant Classification Sherloc (09022015). Collection method: clinical testing. Allele origin: germline.

Cambridge Genomics Laboratory, East Genomic Laboratory Hub, NHS Genomic Medicine Service
Classification: Likely benign for Familial hyperparathyroidism or Hypocalciuric hypercalcaemia. Last evaluated: 2025-06-03. Review status: criteria provided, single submitter. Criteria: ACGS Best Practice Guidelines for Variant Classification in Rare Disease 2020. Collection method: clinical testing. Allele origin: germline. Affected: yes.
Comment: BS1_Strong,BP4

Color Diagnostics, LLC DBA Color Health
Classification: Benign for Multiple endocrine neoplasia, type 2. Last evaluated: 2023-03-02. Review status: criteria provided, single submitter. Criteria: ACMG Guidelines, 2015. Collection method: clinical testing. Allele origin: germline.

Sema4
Classification: Likely benign for Hereditary cancer-predisposing syndrome. Last evaluated: 2021-02-18. Review status: criteria provided, single submitter. Criteria: Sema4 Curation Guidelines. Collection method: curation. Allele origin: germline.

Mendelics
Classification: Benign for Multiple endocrine neoplasia, type 2a. Last evaluated: 2018-07-02. Review status: criteria provided, single submitter. Criteria: Mendelics Assertion Criteria 2017. Collection method: clinical testing. Allele origin: unknown.

Illumina Laboratory Services, Illumina
Classification: Likely benign for Hirschsprung disease, susceptibility to, 1. Last evaluated: 2018-01-13. Review status: criteria provided, single submitter. Criteria: ICSL Variant Classification Criteria 13 December 2019. Collection method: clinical testing. Allele origin: germline.
Comment: This variant was observed in the ICSL laboratory as part of a predisposition screen in an ostensibly healthy population. It had not been previously curated by ICSL or reported in the Human Gene Mutation Database (HGMD: prior to June 1st, 2018), and was therefore a candidate for classification through an automated scoring system. Utilizing variant allele frequency, disease prevalence and penetrance estimates, and inheritance mode, an automated score was calculated to assess if this variant is too frequent to cause the disease. Based on the score and internal cut-off values, a variant classified as likely benign is not then subjected to further curation. The score for this variant resulted in a classification of likely benign for this disease.

Illumina Laboratory Services, Illumina
Classification: Benign for Multiple endocrine neoplasia. Last evaluated: 2018-01-13. Review status: criteria provided, single submitter. Criteria: ICSL Variant Classification Criteria 13 December 2019. Collection method: clinical testing. Allele origin: germline.
Comment: This variant was observed in the ICSL laboratory as part of a predisposition screen in an ostensibly healthy population. It had not been previously curated by ICSL or reported in the Human Gene Mutation Database (HGMD: prior to June 1st, 2018), and was therefore a candidate for classification through an automated scoring system. Utilizing variant allele frequency, disease prevalence and penetrance estimates, and inheritance mode, an automated score was calculated to assess if this variant is too frequent to cause the disease. Based on the score and internal cut-off values, a variant classified as benign is not then subjected to further curation. The score for this variant resulted in a classification of benign for this disease.

Illumina Laboratory Services, Illumina
Classification: Benign for Pheochromocytoma. Last evaluated: 2018-01-13. Review status: criteria provided, single submitter. Criteria: ICSL Variant Classification Criteria 13 December 2019. Collection method: clinical testing. Allele origin: germline.
Comment: the same text as in the submission from Illumina Laboratory Services, Illumina above.

Illumina Laboratory Services, Illumina
Classification: Likely benign for Renal hypodysplasia/aplasia 1. Last evaluated: 2018-01-13. Review status: criteria provided, single submitter. Criteria: ICSL Variant Classification Criteria 13 December 2019. Collection method: clinical testing. Allele origin: germline.
Comment: the same text as in the submission from Illumina Laboratory Services, Illumina above.

Eurofins Ntd Llc (ga)
Classification: Likely benign. Last evaluated: 2017-07-05. Review status: criteria provided, single submitter. Criteria: EGL Classification Definitions 2015. Collection method: clinical testing. Allele origin: germline. Observed: 3 variant alleles, 3 heterozygotes.

Counsyl
Classification: Uncertain significance for Multiple endocrine neoplasia type 2B. Last evaluated: 2015-12-10. Review status: no assertion criteria provided. Collection method: clinical testing. Allele origin: unknown. Not counted in ClinVar's aggregate classification.

Counsyl
Classification: Uncertain significance for Multiple endocrine neoplasia type 2A. Last evaluated: 2015-12-10. Review status: no assertion criteria provided. Collection method: clinical testing. Allele origin: unknown. Not counted in ClinVar's aggregate classification.

Literature cited by the submitters: PubMed 11436122 (cited by Counsyl).

NM_020975.6(RET):c.3188-9C>T

Gene: RET (ret proto-oncogene; plus strand). Cytogenetic location: 10q11.21.
Variant type: single nucleotide variant.
Coding change: c.3188-9C>T on transcript NM_020975.6 (MANE Select); 9 bases into the intron before coding-DNA position 3188, C replaced by T.
Molecular consequence: intron variant.
Genome position (GRCh38, 1-based): chr10:43,128,103, C>T. VCF-style: chr10-43128103-C-T. GRCh37 (hg19) VCF-style: chr10-43623551-C-T.
Identifiers: ClinVar variation 136116 (VCV000136116.26), dbSNP rs551159582, ClinGen allele CA010891.